The following is an entry in ClinVar:

NM_000532.5(PCCB):c.254T>C (p.Phe85Ser)

Gene: PCCB (propionyl-CoA carboxylase subunit beta; plus strand). Cytogenetic location: 3q22.3.
Variant type: single nucleotide variant.
Coding change: c.254T>C on transcript NM_000532.5 (MANE Select); coding-DNA position 254, T replaced by C.
Protein change: p.Phe85Ser; replaces phenylalanine 85 with serine.
Molecular consequence: missense variant.
Genome position (GRCh38, 1-based): chr3:136,255,926, T>C. VCF-style: chr3-136255926-T-C. GRCh37 (hg19) VCF-style: chr3-135974768-T-C.
Other names: c.254T>C, p.Phe85Ser (NM_001178014.2); short protein forms F85S.
Identifiers: ClinVar variation 4695083 (VCV004695083.1).

ClinVar aggregate classification (germline): Uncertain significance (1 of 4 stars; one submission).

Conditions:
Propionic acidemia (PROP). Also called: GLYCINEMIA, KETOTIC; HYPERGLYCINEMIA WITH KETOACIDOSIS AND LEUKOPENIA; KETOTIC HYPERGLYCINEMIA. Identifiers: Orphanet 35, MedGen C0268579, MONDO:0011628, OMIM 606054, HP:0003571.

Submission:

Labcorp Genetics (formerly Invitae), Labcorp
Classification: Uncertain significance for Propionic acidemia. Last evaluated: 2025-06-04. Review status: criteria provided, single submitter. Criteria: Invitae Variant Classification Sherloc (09022015). Collection method: clinical testing. Allele origin: germline.
Comment: This sequence change replaces phenylalanine, which is neutral and non-polar, with serine, which is neutral and polar, at codon 85 of the PCCB protein (p.Phe85Ser). This variant is not present in population databases (gnomAD no frequency). This variant has not been reported in the literature in individuals affected with PCCB-related conditions. Invitae Evidence Modeling of protein sequence and biophysical properties (such as structural, functional, and spatial information, amino acid conservation, physicochemical variation, residue mobility, and thermodynamic stability) has been performed for this missense variant. However, the output from this modeling did not meet the statistical confidence thresholds required to predict the impact of this variant on PCCB protein function. In summary, the available evidence is currently insufficient to determine the role of this variant in disease. Therefore, it has been classified as a Variant of Uncertain Significance.